The following is an entry in ClinVar:

NM_007294.4(BRCA1):c.3383T>G (p.Leu1128Arg)

Genes: BRCA1 (BRCA1 DNA repair associated; minus strand), LOC126862571 (BRD4-independent group 4 enhancer GRCh37_chr17:41243136-41244335; plus strand). Cytogenetic location: 17q21.31.
Variant type: single nucleotide variant.
Coding change: c.3383T>G on transcript NM_007294.4 (MANE Select); coding-DNA position 3383, T replaced by G.
Protein change: p.Leu1128Arg; replaces leucine 1128 with arginine.
Molecular consequence: missense variant. On other transcripts: intron variant (137).
Genome position (GRCh38, 1-based): chr17:43,092,148, A>C on the plus strand (T>G on the coding strand, the complement: BRCA1 is on the minus strand). VCF-style: chr17-43092148-A-C. GRCh37 (hg19) VCF-style: chr17-41244165-A-C.
Other names: c.3239T>G, p.Leu1080Arg (NM_001407746.1, NM_001407747.1, NM_001407838.1 and 20 more transcripts); c.3242T>G, p.Leu1081Arg (NM_001407752.1, NM_001407750.1, NM_001407751.1 and 29 more transcripts); c.3170T>G, p.Leu1057Arg (NM_001407571.1, NM_001407853.1, NM_001407894.1 and 9 more transcripts); c.3383T>G, p.Leu1128Arg (NM_001407581.1, NM_001407582.1, NM_001407583.1 and 30 more transcripts); c.3380T>G, p.Leu1127Arg (NM_001407587.1, NM_001407590.1, NM_001407591.1 and 22 more transcripts); c.3374T>G, p.Leu1125Arg (NM_001407646.1, NM_001407647.1); c.3260T>G, p.Leu1087Arg (NM_001407648.1, NM_001407664.1, NM_001407665.1 and 19 more transcripts); c.3257T>G, p.Leu1086Arg (NM_001407649.1, NM_001407670.1, NM_001407671.1 and 11 more transcripts); and 41 more; short protein forms L1001R, L1017R, L1087R, L1128R, L1039R, L1040R, L1058R, L1060R.
Identifiers: ClinVar variation 3481872 (VCV003481872.1).

ClinVar aggregate classification (germline): Uncertain significance (1 of 4 stars; one submission).

Conditions:
Hereditary cancer-predisposing syndrome. Also called: Tumor predisposition; Neoplastic Syndromes, Hereditary; Hereditary Cancer Syndrome; Hereditary neoplastic syndrome. Identifiers: Orphanet 140162, MedGen C0027672, MeSH D009386, MONDO:0015356.

gnomAD v4.1: 1 of 1,613,566 alleles (0.000062%); highest among the groups gnomAD compares: Non-Finnish European, 0.000085%; no homozygotes.

Submission:

Ambry Genetics
Classification: Uncertain significance for Hereditary cancer-predisposing syndrome. Last evaluated: 2024-10-12. Review status: criteria provided, single submitter. Criteria: Ambry Variant Classification Scheme 2023. Collection method: clinical testing. Allele origin: germline.
Comment: The p.L1128R variant (also known as c.3383T>G), located in coding exon 9 of the BRCA1 gene, results from a T to G substitution at nucleotide position 3383. The leucine at codon 1128 is replaced by arginine, an amino acid with dissimilar properties. This amino acid position is conserved. In addition, the in silico prediction for this alteration is inconclusive. Based on the available evidence, the clinical significance of this variant remains unclear.